The following is an entry in ClinVar:

NM_014795.4(ZEB2):c.1306A>G (p.Met436Val)

Gene: ZEB2 (zinc finger E-box binding homeobox 2; minus strand). Cytogenetic location: 2q22.3.
Variant type: single nucleotide variant.
Coding change: c.1306A>G on transcript NM_014795.4 (MANE Select); coding-DNA position 1306, A replaced by G.
Protein change: p.Met436Val; replaces methionine 436 with valine.
Molecular consequence: missense variant.
Genome position (GRCh38, 1-based): chr2:144,399,881, T>C on the plus strand (A>G on the coding strand, the complement: ZEB2 is on the minus strand). VCF-style: chr2-144399881-T-C. GRCh37 (hg19) VCF-style: chr2-145157448-T-C.
Other names: p.M436V:ATG>GTG; c.1234A>G, p.Met412Val (NM_001171653.2); short protein forms M436V, M412V.
Identifiers: ClinVar variation 95619 (VCV000095619.46), dbSNP rs145812868, ClinGen allele CA223155.

ClinVar aggregate classification (germline): Benign/Likely benign. Review status: criteria provided, multiple submitters, no conflicts (2 of 4 stars). 8 submissions from 8 submitters: Benign (3); Likely benign (4). 1 of the submissions does not count toward it. Last evaluated 2025-11-17.

Conditions:
Inborn genetic diseases. Identifiers: MedGen C0950123, MeSH D030342.
ZEB2-related disorder. Also called: ZEB2-related condition.
Mowat-Wilson syndrome (MOWS). Also called: Classic Mowat-Wilson Syndrome. Identifiers: Orphanet 2152, MedGen C1856113, MONDO:0009341, OMIM 235730.

Allele frequency attached by ClinVar (database versions not stated): gnomAD exomes 0.00020 and 0.00010; 1000 Genomes Project 0.00040; ExAC 0.00012; gnomAD 0.00052 and 0.00049; ESP Exome Variant Server 0.00023; TOPMed 0.00070; 1000 Genomes Project 30x 0.00031.
gnomAD v4.1: 223 of 1,614,210 alleles (0.014%); highest among the groups gnomAD compares: Admixed American, 0.098%; 1 homozygote.

Submissions (8):

Labcorp Genetics (formerly Invitae), Labcorp
Classification: Likely benign for Mowat-Wilson syndrome. Last evaluated: 2025-11-17. Review status: criteria provided, single submitter. Criteria: Invitae Variant Classification Sherloc (09022015). Collection method: clinical testing. Allele origin: germline.

Mayo Clinic Laboratories, Mayo Clinic
Classification: Likely benign. Last evaluated: 2025-03-07. Review status: criteria provided, single submitter. Criteria: ACMG Guidelines, 2015. Collection method: clinical testing. Allele origin: germline. Observed: 1 variant allele.
Comment: BS1, BP4_moderate

Ambry Genetics
Classification: Likely benign for Inborn genetic diseases. Last evaluated: 2022-12-19. Review status: criteria provided, single submitter. Criteria: Ambry Variant Classification Scheme 2023. Collection method: clinical testing. Allele origin: germline.

CeGaT Center for Human Genetics Tuebingen
Classification: Benign. Last evaluated: 2022-04-01. Review status: criteria provided, single submitter. Criteria: CeGaT Center For Human Genetics Tuebingen Variant Classification Criteria Version 2. Collection method: clinical testing. Allele origin: germline. Affected: yes. Observed: 1 variant allele.
Comment: ZEB2: BS1, BS2

Genome-Nilou Lab
Classification: Benign for Mowat-Wilson syndrome. Last evaluated: 2021-11-07. Review status: criteria provided, single submitter. Criteria: ACMG Guidelines, 2015. Collection method: clinical testing. Allele origin: germline. Affected: no.

GeneDx
Classification: Benign. Last evaluated: 2020-02-20. Review status: criteria provided, single submitter. Criteria: GeneDx Variant Classification Process June 2021. Collection method: clinical testing. Allele origin: germline. Affected: yes.

Eurofins Ntd Llc (ga)
Classification: Likely benign. Last evaluated: 2017-11-30. Review status: criteria provided, single submitter. Criteria: EGL Classification Definitions 2015. Collection method: clinical testing. Allele origin: germline. Observed: 1 variant allele, 1 heterozygote.

PreventionGenetics, part of Exact Sciences
Classification: Likely benign for ZEB2-related condition. Last evaluated: 2022-05-25. Review status: no assertion criteria provided. Collection method: clinical testing. Allele origin: germline. Not counted in ClinVar's aggregate classification.
Comment: This variant is classified as likely benign based on ACMG/AMP sequence variant interpretation guidelines (Richards et al. 2015 PMID: 25741868, with internal and published modifications).